The following is an entry in ClinVar:

NM_001348768.2(HECW2):c.3823A>G (p.Asn1275Asp)

Gene: HECW2 (HECT, C2 and WW domain containing E3 ubiquitin protein ligase 2; minus strand). Cytogenetic location: 2q32.3.
Variant type: single nucleotide variant.
Coding change: c.3823A>G on transcript NM_001348768.2 (MANE Select); coding-DNA position 3823, A replaced by G.
Protein change: p.Asn1275Asp; replaces asparagine 1275 with aspartic acid.
Molecular consequence: missense variant.
Genome position (GRCh38, 1-based): chr2:196,228,196, T>C on the plus strand (A>G on the coding strand, the complement: HECW2 is on the minus strand). VCF-style: chr2-196228196-T-C. GRCh37 (hg19) VCF-style: chr2-197092920-T-C.
Other names: c.2755A>G, p.Asn919Asp (NM_001304840.3); c.3823A>G, p.Asn1275Asp (NM_020760.4); short protein forms N1275D, N919D.
Identifiers: ClinVar variation 3390454 (VCV003390454.1).

ClinVar aggregate classification (germline): Uncertain significance (1 of 4 stars; one submission).

Submission:

GeneDx
Classification: Uncertain significance. Last evaluated: 2024-06-11. Review status: criteria provided, single submitter. Criteria: GeneDx Variant Classification Process June 2021. Collection method: clinical testing. Allele origin: germline. Affected: yes.
Comment: Not observed at significant frequency in large population cohorts (gnomAD); In silico analysis supports that this missense variant has a deleterious effect on protein structure/function; Has not been previously published as pathogenic or benign to our knowledge